The following is an entry in ClinVar:

ClinVar aggregate classification (germline): Pathogenic. Review status: criteria provided, multiple submitters, no conflicts (2 of 4 stars). 3 submissions from 3 submitters: Pathogenic (3). Last evaluated 2024-01-02.

Conditions:
Hereditary nonpolyposis colorectal neoplasms. Identifiers: MedGen C0009405, MeSH D003123.
Hereditary cancer-predisposing syndrome. Also called: Neoplastic Syndromes, Hereditary; Hereditary Cancer Syndrome; Tumor predisposition; Hereditary neoplastic syndrome. Identifiers: Orphanet 140162, MedGen C0027672, MeSH D009386, MONDO:0015356.
Lynch syndrome. Identifiers: Orphanet 144, MedGen C4552100, MONDO:0005835. Disease mechanism: loss of function.

Submissions (3):

Color Diagnostics, LLC DBA Color Health
Classification: Pathogenic for Hereditary cancer-predisposing syndrome. Last evaluated: 2024-01-02. Review status: criteria provided, single submitter. Criteria: ACMG Guidelines, 2015. Collection method: clinical testing. Allele origin: germline.
Comment: This variant deletes 4 nucleotides in exon 6 of the PMS2 gene, creating a frameshift and premature translation stop signal. This variant is expected to result in an absent or non-functional protein product. To our knowledge, this variant has not been reported in individuals affected with PMS2-related disorders in the literature. This variant has not been identified in the general population by the Genome Aggregation Database (gnomAD). Loss of PMS2 function is a known mechanism of disease. Based on the available evidence, this variant is classified as Pathogenic.

All of Us Research Program, National Institutes of Health
Classification: Pathogenic for Lynch syndrome. Last evaluated: 2023-11-06. Review status: criteria provided, single submitter. Criteria: ACMG Guidelines, 2015. Collection method: clinical testing. Allele origin: germline. Inheritance: Autosomal dominant inheritance. Observed: 1 variant allele, 1 heterozygote.
Comment: The c.691_694del (p.Phe231Glyfs*26 ) variant in the PMS2 gene is located on the exon 6 and is predicted to cause shift of reading frame that introduces a premature translation termination codon (p.Phe231Glyfs*26), resulting in an absent or disrupted protein product. Loss-of-function variants in PMS2 are known to be pathogenic and frameshift/truncating variants located upstream and downstream to this position have been reported in individuals with Lynch syndrome (PMID: 28514183, 25512458, 35223509). The variant is reported in ClinVar (ID: 942855). The variant is absent in the general population database (gnomAD). Therefore, the c.691_694del (p.Phe231Glyfs*26 ) variant of PMS2 has been classified as pathogenic.

This study involves interpretation of variants in research participants for the purpose of population health screening. Participant phenotype was not available at the time of variant classification. Additional details can be found in publication PMID: 35346344, PMCID: PMC8962531

Labcorp Genetics (formerly Invitae), Labcorp
Classification: Pathogenic for Hereditary nonpolyposis colorectal neoplasms. Last evaluated: 2019-08-24. Review status: criteria provided, single submitter. Criteria: Invitae Variant Classification Sherloc (09022015). Collection method: clinical testing. Allele origin: germline.
Comment: For these reasons, this variant has been classified as Pathogenic. Loss-of-function variants in PMS2 are known to be pathogenic (PMID: 21376568, 24362816). This variant has not been reported in the literature in individuals with PMS2-related conditions. This variant is not present in population databases (ExAC no frequency). This sequence change creates a premature translational stop signal (p.Phe231Glyfs*26) in the PMS2 gene. It is expected to result in an absent or disrupted protein product.

Literature cited by the submitters: PubMed 25512458 (cited by All of Us Research Program, National Institutes of Health); PubMed 28514183 (cited by All of Us Research Program, National Institutes of Health); PubMed 35223509 (cited by All of Us Research Program, National Institutes of Health); PubMed 21376568 (cited by Labcorp Genetics (formerly Invitae), Labcorp); PubMed 24362816 (cited by Labcorp Genetics (formerly Invitae), Labcorp).

NM_000535.7(PMS2):c.691_694del (p.Phe231fs)

Gene: PMS2 (PMS1 homolog 2, mismatch repair system component; minus strand). Cytogenetic location: 7p22.1.
Variant type: Deletion.
Coding change: c.691_694del on transcript NM_000535.7 (MANE Select); coding-DNA positions 691 to 694, 4 bases deleted (TTTG; older notation c.691_694delTTTG).
Protein change: p.Phe231fs; shifts the reading frame from phenylalanine 231.
Molecular consequence: frameshift variant. On other transcripts: 5 prime UTR variant (2), non-coding transcript variant (1), intron variant (1).
Genome position (GRCh38, 1-based): chr7:5,999,119-5,999,122, CAAA deleted on the plus strand (TTTG on the coding strand, the reverse complement: PMS2 is on the minus strand); deleting any 4 consecutive bases within chr7:5,999,119-5,999,124 gives the same sequence; the c. name uses the placement nearest the transcript's 3' end. VCF-style (leftmost placement, unchanged base first): chr7-5999118-CCAAA-C. GRCh37 (hg19) VCF-style: chr7-6038749-CCAAA-C.
Other names: c.286_289del, p.Phe96fs (NM_001322003.2, NM_001322004.2, NM_001322005.2 and 2 more transcripts); c.691_694del, p.Phe231fs (NM_001322006.2, NM_001322014.2); c.373_376del, p.Phe125fs (NM_001322007.2, NM_001322008.2); c.-243_-240del (NM_001322011.2, NM_001322012.2); c.382_385del, p.Phe128fs (NM_001322015.2); c.133-1699_133-1696del (NM_001322013.2); short protein forms F128fs, F231fs, F96fs, F125fs.
Identifiers: ClinVar variation 942855 (VCV000942855.9), dbSNP rs1784787989, ClinGen allele CA1139659963.